The following is an entry in ClinVar:

ClinVar aggregate classification (germline): Benign. Review status: criteria provided, multiple submitters, no conflicts (2 of 4 stars). 2 submissions from 2 submitters: Benign (2). Last evaluated 2018-01-13.

Conditions:
Hereditary sensory and autonomic neuropathy with spastic paraplegia (HSNSP). Identifiers: Orphanet 139578, MedGen C1850395, MONDO:0009748, OMIM 256840.

Allele frequency attached by ClinVar (database versions not stated): 1000 Genomes Project 0.88798; 1000 Genomes Project 30x 0.88882; gnomAD 0.92335 and 0.93037; TOPMed 0.92697.

Submissions (2):

Illumina Laboratory Services, Illumina
Classification: Benign for Hereditary sensory and autonomic neuropathy with spastic paraplegia. Last evaluated: 2018-01-13. Review status: criteria provided, single submitter. Criteria: ICSL Variant Classification Criteria 13 December 2019. Collection method: clinical testing. Allele origin: germline.
Comment: This variant was observed in the ICSL laboratory as part of a predisposition screen in an ostensibly healthy population. It had not been previously curated by ICSL or reported in the Human Gene Mutation Database (HGMD: prior to June 1st, 2018), and was therefore a candidate for classification through an automated scoring system. Utilizing variant allele frequency, disease prevalence and penetrance estimates, and inheritance mode, an automated score was calculated to assess if this variant is too frequent to cause the disease. Based on the score and internal cut-off values, a variant classified as benign is not then subjected to further curation. The score for this variant resulted in a classification of benign for this disease.

Breakthrough Genomics
Classification: Benign. Review status: criteria provided, single submitter. Criteria: ACMG Guidelines, 2015. Collection method: not provided. Allele origin: germline. Inheritance: Autosomal recessive inheritance. Affected: yes.

NM_012073.5(CCT5):c.*1172G>T

Gene: CCT5 (chaperonin containing TCP1 subunit 5; plus strand). Cytogenetic location: 5p15.2.
Variant type: single nucleotide variant.
Coding change: c.*1172G>T on transcript NM_012073.5 (MANE Select); 1172 bases downstream of the stop codon, G replaced by T.
Molecular consequence: 3 prime UTR variant.
Genome position (GRCh38, 1-based): chr5:10,265,955, G>T. VCF-style: chr5-10265955-G-T. GRCh37 (hg19) VCF-style: chr5-10266067-G-T.
Other names: c.*1172G>T (NM_001306153.1, NM_001306154.2, NM_001306155.2 and 1 more transcripts).
Identifiers: ClinVar variation 350288 (VCV000350288.6), dbSNP rs2578638, ClinGen allele CA10622144.
Genomic context (GRCh38, chr5:10,265,955, plus strand): 5'-CTAGAATTAGGAAATGGTGACTCTTGTCTAAATTTGGTTAAGTGATGAATTTGGGTTACC[G>T]TCTCATGTGAACCTGGAGATTCACCAGTCTTAACTTTTGGGTCATTGTGTTTTCTCTACA-3'